The following is an entry in ClinVar:

NM_018429.3(BDP1):c.2379A>G (p.Gln793=)

Gene: BDP1 (BDP1 general transcription factor IIIB subunit; plus strand). Cytogenetic location: 5q13.2.
Variant type: single nucleotide variant.
Coding change: c.2379A>G on transcript NM_018429.3 (MANE Select); coding-DNA position 2379, A replaced by G.
Protein change: p.Gln793=; no amino-acid change (glutamine 793 retained).
Molecular consequence: synonymous variant.
Genome position (GRCh38, 1-based): chr5:71,509,471, A>G. VCF-style: chr5-71509471-A-G. GRCh37 (hg19) VCF-style: chr5-70805298-A-G.
Identifiers: ClinVar variation 4989597 (VCV004989597.1).
Genomic context (GRCh38, chr5:71,509,471, plus strand): 5'-TCAGCAGGCAGTCTGGTTTAAAACTTGATTGTGTGCCCCCTTTTTTTTTTATAGCGTTCA[A>G]GAGAATAATAAGGCAAATAAACTTAACCAAGTCCCAATTCTAAGGACTCGATTTCAGAAA-3'
Protein context (NP_060899.2, residues 783-803): PKVLNECLSV[Gln793=]ENNKANKLNQ

ClinVar aggregate classification (germline): Likely benign (1 of 4 stars; one submission).

Conditions:
BDP1-related disorder. Also called: BDP1-related condition.

gnomAD v4.1: 56 of 1,570,746 alleles (0.0036%); highest among the groups gnomAD compares: Non-Finnish European, 0.0045%; no homozygotes.

Submission:

PreventionGenetics, part of Exact Sciences
Classification: Likely benign for BDP1-related condition. Last evaluated: 2026-08-27. Review status: criteria provided, single submitter. Criteria: ACMG Guidelines, 2015. Collection method: clinical testing. Allele origin: germline.
Comment: This variant is classified as likely benign based on ACMG/AMP sequence variant interpretation guidelines (Richards et al. 2015 PMID: 25741868, with internal and published modifications).